The following is an entry in ClinVar:

NM_000222.3(KIT):c.1443T>G (p.Ser481Arg)

Gene: KIT (KIT proto-oncogene, receptor tyrosine kinase; plus strand). Cytogenetic location: 4q12.
Variant type: single nucleotide variant.
Coding change: c.1443T>G on transcript NM_000222.3 (MANE Select); coding-DNA position 1443, T replaced by G.
Protein change: p.Ser481Arg; replaces serine 481 with arginine.
Molecular consequence: missense variant.
Genome position (GRCh38, 1-based): chr4:54,725,953, T>G. VCF-style: chr4-54725953-T-G. GRCh37 (hg19) VCF-style: chr4-55592119-T-G.
Other names: c.1443T>G, p.Ser481Arg (NM_001093772.2, NM_001385285.1, NM_001385286.1); c.1446T>G, p.Ser482Arg (NM_001385284.1, NM_001385288.1, NM_001385290.1 and 1 more transcripts); short protein forms S481R, S482R.
Identifiers: ClinVar variation 528520 (VCV000528520.12), dbSNP rs1553891429, ClinGen allele CA356906407.

ClinVar aggregate classification (germline): Uncertain significance. Review status: criteria provided, multiple submitters, no conflicts (2 of 4 stars). 2 submissions from 2 submitters: Uncertain significance (2). Last evaluated 2023-01-11.

Conditions:
Gastrointestinal stromal tumor. Also called: Gastrointestinal stroma tumor; Gastrointestinal stromal tumor, somatic. Identifiers: Orphanet 44890, MedGen C0238198, MeSH D046152, MONDO:0011719, OMIM 606764, HP:0100723.
Hereditary cancer-predisposing syndrome. Also called: Tumor predisposition; Hereditary neoplastic syndrome; Hereditary Cancer Syndrome; Neoplastic Syndromes, Hereditary. Identifiers: Orphanet 140162, MedGen C0027672, MeSH D009386, MONDO:0015356.

Submissions (2):

Labcorp Genetics (formerly Invitae), Labcorp
Classification: Uncertain significance for Gastrointestinal stromal tumor. Last evaluated: 2023-01-11. Review status: criteria provided, single submitter. Criteria: Invitae Variant Classification Sherloc (09022015). Collection method: clinical testing. Allele origin: germline.
Comment: This variant is not present in population databases (gnomAD no frequency). This sequence change replaces serine, which is neutral and polar, with arginine, which is basic and polar, at codon 481 of the KIT protein (p.Ser481Arg). This variant has not been reported in the literature in individuals affected with KIT-related conditions. In summary, the available evidence is currently insufficient to determine the role of this variant in disease. Therefore, it has been classified as a Variant of Uncertain Significance. Algorithms developed to predict the effect of missense changes on protein structure and function are either unavailable or do not agree on the potential impact of this missense change (SIFT: "Deleterious"; PolyPhen-2: "Possibly Damaging"; Align-GVGD: "Class C0"). ClinVar contains an entry for this variant (Variation ID: 528520).

Ambry Genetics
Classification: Uncertain significance for Hereditary cancer-predisposing syndrome. Last evaluated: 2022-03-20. Review status: criteria provided, single submitter. Criteria: Ambry Variant Classification Scheme 2023. Collection method: clinical testing. Allele origin: germline.
Comment: The p.S481R variant (also known as c.1443T>G), located in coding exon 9 of the KIT gene, results from a T to G substitution at nucleotide position 1443. The serine at codon 481 is replaced by arginine, an amino acid with dissimilar properties. This amino acid position is conserved. In addition, this alteration is predicted to be tolerated by in silico analysis. Since supporting evidence is limited at this time, the clinical significance of this alteration remains unclear.